The following is an entry in ClinVar:

NM_000214.3(JAG1):c.1984G>C (p.Ala662Pro)

Gene: JAG1 (jagged canonical Notch ligand 1; minus strand). Cytogenetic location: 20p12.2.
Variant type: single nucleotide variant.
Coding change: c.1984G>C on transcript NM_000214.3 (MANE Select); coding-DNA position 1984, G replaced by C.
Protein change: p.Ala662Pro; replaces alanine 662 with proline.
Molecular consequence: missense variant.
Genome position (GRCh38, 1-based): chr20:10,645,986, C>G on the plus strand (G>C on the coding strand, the complement: JAG1 is on the minus strand). VCF-style: chr20-10645986-C-G. GRCh37 (hg19) VCF-style: chr20-10626634-C-G.
Other names: short protein forms A662P.
Identifiers: ClinVar variation 1513202 (VCV001513202.8), dbSNP rs763048289, ClinGen allele CA408235680.

ClinVar aggregate classification (germline): Uncertain significance (1 of 4 stars; one submission).

Conditions:
Alagille syndrome due to a JAG1 point mutation. Also called: HEPATIC DUCTULAR HYPOPLASIA, SYNDROMATIC; Alagille Syndrome 1; JAG1-Related Alagille Syndrome. Identifiers: Orphanet 261619, Orphanet 52, MedGen C1956125, MONDO:0016862, OMIM 118450.

Submission:

Labcorp Genetics (formerly Invitae), Labcorp
Classification: Uncertain significance for Alagille syndrome due to a JAG1 point mutation. Last evaluated: 2021-02-24. Review status: criteria provided, single submitter. Criteria: Invitae Variant Classification Sherloc (09022015). Collection method: clinical testing. Allele origin: germline.
Comment: This sequence change replaces alanine with proline at codon 662 of the JAG1 protein (p.Ala662Pro). The alanine residue is moderately conserved and there is a small physicochemical difference between alanine and proline. This variant is not present in population databases (ExAC no frequency). This variant has not been reported in the literature in individuals with JAG1-related conditions. Advanced modeling of protein sequence and biophysical properties (such as structural, functional, and spatial information, amino acid conservation, physicochemical variation, residue mobility, and thermodynamic stability) performed at Invitae indicates that this missense variant is not expected to disrupt JAG1 protein function. In summary, the available evidence is currently insufficient to determine the role of this variant in disease. Therefore, it has been classified as a Variant of Uncertain Significance.